The following is an entry in ClinVar:

ClinVar aggregate classification (germline): Uncertain significance (1 of 4 stars; one submission).

Submission:

GeneDx
Classification: Uncertain significance. Last evaluated: 2023-04-05. Review status: criteria provided, single submitter. Criteria: GeneDx Variant Classification Process June 2021. Collection method: clinical testing. Allele origin: germline. Affected: yes.
Comment: Not observed at significant frequency in large population cohorts (gnomAD); Has not been previously published as pathogenic or benign to our knowledge

NM_001128425.2(MUTYH):c.-6G>T

Genes: MUTYH (mutY DNA glycosylase; minus strand), TOE1 (target of EGR1, exonuclease; plus strand). Cytogenetic location: 1p34.1.
Variant type: single nucleotide variant.
Coding change: c.-6G>T on transcript NM_001128425.2 (MANE Plus Clinical); 6 bases upstream of the start codon, G replaced by T.
Molecular consequence: 5 prime UTR variant. On other transcripts: missense variant (1), non-coding transcript variant (3).
Genome position (GRCh38, 1-based): chr1:45,340,260, C>A on the plus strand (G>T on the coding strand, the complement: MUTYH is on the minus strand). VCF-style: chr1-45340260-C-A. GRCh37 (hg19) VCF-style: chr1-45805932-C-A.
Other names: c.8C>A, p.Ala3Asp (NM_025077.4); c.-48G>T (NM_001048171.2); c.-6G>T (NM_001293190.2, NM_001407069.1, NM_001407073.1 and 1 more transcripts); c.-260G>T (NM_001293192.2); c.-319G>T (NM_001350650.2); c.-255G>T (NM_001350651.2); c.-64G>T (NM_001407070.1, NM_001407071.1); c.-44G>T (NM_001407072.1); short protein forms A3D.
Identifiers: ClinVar variation 2663366 (VCV002663366.1), dbSNP rs988145655, ClinGen allele CA340137950.